The following is an entry in ClinVar:

ClinVar aggregate classification (germline): Likely benign. Review status: criteria provided, multiple submitters, no conflicts (2 of 4 stars). 3 submissions from 3 submitters: Likely benign (3). Last evaluated 2024-10-16.

Conditions:
Aneurysm-osteoarthritis syndrome. Also called: Loeys-Dietz syndrome, type 1C; SMAD3-Related Loeys-Dietz Syndrome; LOEYS-DIETZ SYNDROME WITH OSTEOARTHRITIS; ANEURYSMS-OSTEOARTHRITIS SYNDROME. Identifiers: Orphanet 284984, MedGen C3151087, MONDO:0013426, OMIM 613795.
Familial thoracic aortic aneurysm and aortic dissection (TAAD). Also called: Thoracic aortic aneurysms and dissections. Identifiers: Orphanet 91387, MedGen C4707243, MONDO:0019625.

Allele frequency attached by ClinVar (database versions not stated): TOPMed 0.00001; ExAC 0.00002; gnomAD exomes 0.00002 and 0.00005.
gnomAD v4.1: 13 of 1,613,478 alleles (0.00081%); highest among the groups gnomAD compares: Admixed American, 0.022%; no homozygotes.

Submissions (3):

Labcorp Genetics (formerly Invitae), Labcorp
Classification: Likely benign for Familial thoracic aortic aneurysm and aortic dissection. Last evaluated: 2024-10-16. Review status: criteria provided, single submitter. Criteria: Invitae Variant Classification Sherloc (09022015). Collection method: clinical testing. Allele origin: germline.

All of Us Research Program, National Institutes of Health
Classification: Likely benign for Aneurysm-osteoarthritis syndrome. Last evaluated: 2023-12-13. Review status: criteria provided, single submitter. Criteria: ACMG Guidelines, 2015. Collection method: clinical testing. Allele origin: germline. Inheritance: Autosomal dominant inheritance. Observed: 5 variant alleles, 5 heterozygotes.
Comment: This study involves interpretation of variants in research participants for the purpose of population health screening. Participant phenotype was not available at the time of variant classification. Additional details can be found in publication PMID: 35346344, PMCID: PMC8962531

Color Diagnostics, LLC DBA Color Health
Classification: Likely benign for Familial thoracic aortic aneurysm and aortic dissection. Last evaluated: 2022-11-06. Review status: criteria provided, single submitter. Criteria: ACMG Guidelines, 2015. Collection method: clinical testing. Allele origin: germline.

NM_005902.4(SMAD3):c.177C>T (p.Asn59=)

Gene: SMAD3 (SMAD family member 3; plus strand). Cytogenetic location: 15q22.33.
Variant type: single nucleotide variant.
Coding change: c.177C>T on transcript NM_005902.4 (MANE Select); coding-DNA position 177, C replaced by T.
Protein change: p.Asn59=; no amino-acid change (asparagine 59 retained).
Molecular consequence: synonymous variant.
Genome position (GRCh38, 1-based): chr15:67,066,331, C>T. VCF-style: chr15-67066331-C-T. GRCh37 (hg19) VCF-style: chr15-67358669-C-T.
Identifiers: ClinVar variation 1597652 (VCV001597652.11), dbSNP rs769153458, ClinGen allele CA061782.